The following is an entry in ClinVar:

NM_001429.4(EP300):c.2181C>T (p.Pro727=)

Gene: EP300 (EP300 lysine acetyltransferase; plus strand). Cytogenetic location: 22q13.2.
Variant type: single nucleotide variant.
Coding change: c.2181C>T on transcript NM_001429.4 (MANE Select); coding-DNA position 2181, C replaced by T.
Protein change: p.Pro727=; no amino-acid change (proline 727 retained).
Molecular consequence: synonymous variant.
Genome position (GRCh38, 1-based): chr22:41,147,886, C>T. VCF-style: chr22-41147886-C-T. GRCh37 (hg19) VCF-style: chr22-41543890-C-T.
Other names: c.2103C>T, p.Pro701= (NM_001362843.2); c.2181C>T (NM_001429.3).
Identifiers: ClinVar variation 2728758 (VCV002728758.6), dbSNP rs558057411, ClinGen allele CA10252774.

ClinVar aggregate classification (germline): Benign/Likely benign. Review status: criteria provided, multiple submitters, no conflicts (2 of 4 stars). 3 submissions from 3 submitters: Benign (1); Likely benign (1). 1 of the submissions does not count toward it. Last evaluated 2025-09-24.

Conditions:
Rubinstein-Taybi syndrome due to EP300 haploinsufficiency. Also called: EP300-Related Rubinstein-Taybi Syndrome; RUBINSTEIN-TAYBI SYNDROME 2. Identifiers: Orphanet 353284, Orphanet 783, MedGen C3150941, MONDO:0013364, OMIM 613684.
EP300-related disorder. Also called: EP300-related disorders; EP300-related condition.

Allele frequency attached by ClinVar (database versions not stated): gnomAD 0.00002; TOPMed 0.00002; gnomAD exomes 0.00003; ExAC 0.00008.
gnomAD v4.1: 53 of 1,613,988 alleles (0.0033%); highest among the groups gnomAD compares: Non-Finnish European, 0.0042%; no homozygotes.

Submissions (3):

Labcorp Genetics (formerly Invitae), Labcorp
Classification: Benign for Rubinstein-Taybi syndrome due to EP300 haploinsufficiency. Last evaluated: 2025-09-24. Review status: criteria provided, single submitter. Criteria: Invitae Variant Classification Sherloc (09022015). Collection method: clinical testing. Allele origin: germline.

Blueprint Genetics
Classification: Likely benign. Last evaluated: 2023-07-25. Review status: criteria provided, single submitter. Criteria: ACMG Guidelines, 2015. Collection method: clinical testing. Allele origin: germline.

PreventionGenetics, part of Exact Sciences
Classification: Likely benign for EP300-related condition. Last evaluated: 2022-11-29. Review status: no assertion criteria provided. Collection method: clinical testing. Allele origin: germline. Not counted in ClinVar's aggregate classification.
Comment: This variant is classified as likely benign based on ACMG/AMP sequence variant interpretation guidelines (Richards et al. 2015 PMID: 25741868, with internal and published modifications).